The following is an entry in ClinVar:

NM_001103.4(ACTN2):c.317A>C (p.Tyr106Ser)

Gene: ACTN2 (actinin alpha 2; plus strand). Cytogenetic location: 1q43.
Variant type: single nucleotide variant.
Coding change: c.317A>C on transcript NM_001103.4 (MANE Select); coding-DNA position 317, A replaced by C.
Protein change: p.Tyr106Ser; replaces tyrosine 106 with serine.
Molecular consequence: missense variant. On other transcripts: non-coding transcript variant (1).
Genome position (GRCh38, 1-based): chr1:236,718,969, A>C. VCF-style: chr1-236718969-A-C. GRCh37 (hg19) VCF-style: chr1-236882269-A-C.
Other names: c.317A>C, p.Tyr106Ser (NM_001278343.2); short protein forms Y106S.
Identifiers: ClinVar variation 3757705 (VCV003757705.2).

ClinVar aggregate classification (germline): Uncertain significance (1 of 4 stars; one submission).

Conditions:
Primary familial hypertrophic cardiomyopathy (HCM). Identifiers: Orphanet 99739, MedGen C0949658, MeSH D024741, MONDO:0024573. Inheritance: Various modes of inheritance.
Dilated cardiomyopathy 1AA (CMD1AA). Also called: CARDIOMYOPATHY, DILATED, 1AA, WITH OR WITHOUT LEFT VENTRICULAR NONCOMPACTION; CARDIOMYOPATHY, FAMILIAL HYPERTROPHIC, 23, WITH OR WITHOUT LEFT VENTRICULAR NONCOMPACTION; Cardiomyopathy, dilated, 1AA, with or without LVNC. Identifiers: Orphanet 154, MedGen C2677338, MONDO:0012808, OMIM 612158.

Submission:

Labcorp Genetics (formerly Invitae), Labcorp
Classification: Uncertain significance for Primary familial hypertrophic cardiomyopathy; Dilated cardiomyopathy 1AA. Last evaluated: 2024-08-16. Review status: criteria provided, single submitter. Criteria: Invitae Variant Classification Sherloc (09022015). Collection method: clinical testing. Allele origin: germline.
Comment: This sequence change replaces tyrosine, which is neutral and polar, with serine, which is neutral and polar, at codon 106 of the ACTN2 protein (p.Tyr106Ser). This variant is not present in population databases (gnomAD no frequency). This variant has not been reported in the literature in individuals affected with ACTN2-related conditions. Invitae Evidence Modeling of protein sequence and biophysical properties (such as structural, functional, and spatial information, amino acid conservation, physicochemical variation, residue mobility, and thermodynamic stability) indicates that this missense variant is expected to disrupt ACTN2 protein function with a positive predictive value of 80%. In summary, the available evidence is currently insufficient to determine the role of this variant in disease. Therefore, it has been classified as a Variant of Uncertain Significance.